The following is an entry in ClinVar:

ClinVar aggregate classification (germline): Uncertain significance (1 of 4 stars; one submission).

Submission:

Labcorp Genetics (formerly Invitae), Labcorp
Classification: Uncertain significance. Last evaluated: 2025-09-21. Review status: criteria provided, single submitter. Criteria: Invitae Variant Classification Sherloc (09022015). Collection method: clinical testing. Allele origin: germline.
Comment: This sequence change replaces leucine, which is neutral and non-polar, with histidine, which is basic and polar, at codon 258 of the PAX3 protein (p.Leu258His). Information on the frequency of this variant in the gnomAD database is not available, as this variant may be reported differently in the database. This missense change has been observed in individual(s) with clinical features of autosomal dominant Waardenburg syndrome (Internal data). An algorithm developed to predict the effect of missense changes on protein structure and function (PolyPhen-2) suggests that this variant is likely to be disruptive. In summary, the available evidence is currently insufficient to determine the role of this variant in disease. Therefore, it has been classified as a Variant of Uncertain Significance.

NM_181458.4(PAX3):c.773_774delinsAT (p.Leu258His)

Gene: PAX3 (paired box 3; minus strand). Cytogenetic location: 2q36.1.
Variant type: Indel.
Coding change: c.773_774delinsAT on transcript NM_181458.4 (MANE Select); coding-DNA positions 773 to 774, TC replaced by AT.
Protein change: p.Leu258His; replaces leucine 258 with histidine.
Molecular consequence: missense variant.
Genome position (GRCh38, 1-based): chr2:222,232,096-222,232,097, GA replaced by AT on the plus strand (TC replaced by AT on the coding strand, the reverse complement: PAX3 is on the minus strand). VCF-style: chr2-222232096-GA-AT. GRCh37 (hg19) VCF-style: chr2-223096815-GA-AT.
Other names: c.770_771delinsAT, p.Leu257His (NM_001127366.3); c.773_774delinsAT, p.Leu258His (NM_181457.4, NM_181459.4, NM_181460.4 and 1 more transcripts); short protein forms L258H, L257H.
Identifiers: ClinVar variation 4727543 (VCV004727543.1).